The following is an entry in ClinVar:

NM_000051.4(ATM):c.4444T>C (p.Cys1482Arg)

Gene: ATM (ATM serine/threonine kinase; plus strand). Cytogenetic location: 11q22.3.
Variant type: single nucleotide variant.
Coding change: c.4444T>C on transcript NM_000051.4 (MANE Select); coding-DNA position 4444, T replaced by C.
Protein change: p.Cys1482Arg; replaces cysteine 1482 with arginine.
Molecular consequence: missense variant.
Genome position (GRCh38, 1-based): chr11:108,292,626, T>C. VCF-style: chr11-108292626-T-C. GRCh37 (hg19) VCF-style: chr11-108163353-T-C.
Other names: p.Cys1482Arg; c.4444T>C, p.Cys1482Arg (NM_001351834.2); short protein forms C1482R.
Identifiers: ClinVar variation 570421 (VCV000570421.20), dbSNP rs752559455, ClinGen allele CA6265477.

ClinVar aggregate classification (germline): Conflicting classifications of pathogenicity. Review status: criteria provided, conflicting classifications (1 of 4 stars). 6 submissions from 6 submitters: Uncertain significance (4); Likely benign (2). Last evaluated 2026-02-01.

Conditions:
Hereditary cancer-predisposing syndrome. Also called: Hereditary neoplastic syndrome; Neoplastic Syndromes, Hereditary; Hereditary Cancer Syndrome; Tumor predisposition. Identifiers: Orphanet 140162, MedGen C0027672, MeSH D009386, MONDO:0015356.
Ataxia-telangiectasia syndrome (AT). Also called: AT, COMPLEMENTATION GROUP C; Cerebello-oculocutaneous telangiectasia; Immunodeficiency with ataxia telangiectasia; Ataxia-telangiectasia, complementation group D; ATAXIA-TELANGIECTASIA, FRESNO VARIANT; Ataxia-telangiectasia, complementation group E. Identifiers: Orphanet 100, MedGen C0004135, MONDO:0008840, OMIM 208900.

Allele frequency attached by ClinVar (database versions not stated): gnomAD exomes below 0.00001; ExAC 0.00001; TOPMed 0.00002; gnomAD 0.00003.
gnomAD v4.1: 6 of 1,613,870 alleles (0.00037%); highest among the groups gnomAD compares: African/African-American, 0.008%; no homozygotes.

Submissions (6):

Labcorp Genetics (formerly Invitae), Labcorp
Classification: Uncertain significance for Ataxia-telangiectasia syndrome. Last evaluated: 2026-02-01. Review status: criteria provided, single submitter. Criteria: Invitae Variant Classification Sherloc (09022015). Collection method: clinical testing. Allele origin: germline.
Comment: This sequence change replaces cysteine, which is neutral and slightly polar, with arginine, which is basic and polar, at codon 1482 of the ATM protein (p.Cys1482Arg). This variant is present in population databases (rs752559455, gnomAD 0.008%). This variant has not been reported in the literature in individuals affected with ATM-related conditions. ClinVar contains an entry for this variant (Variation ID: 570421). Invitae Evidence Modeling of protein sequence and biophysical properties (such as structural, functional, and spatial information, amino acid conservation, physicochemical variation, residue mobility, and thermodynamic stability) indicates that this missense variant is not expected to disrupt ATM protein function with a negative predictive value of 95%. In summary, the available evidence is currently insufficient to determine the role of this variant in disease. Therefore, it has been classified as a Variant of Uncertain Significance.

Color Diagnostics, LLC DBA Color Health
Classification: Likely benign for Hereditary cancer-predisposing syndrome. Last evaluated: 2025-04-28. Review status: criteria provided, single submitter. Criteria: ACMG Guidelines, 2015. Collection method: clinical testing. Allele origin: germline.

Mayo Clinic Laboratories, Mayo Clinic
Classification: Uncertain significance. Last evaluated: 2025-04-15. Review status: criteria provided, single submitter. Criteria: ACMG Guidelines, 2015. Collection method: clinical testing. Allele origin: germline. Observed: 1 variant allele.
Comment: BP4_moderate

Sema4
Classification: Uncertain significance for Hereditary cancer-predisposing syndrome. Last evaluated: 2022-01-21. Review status: criteria provided, single submitter. Criteria: Sema4 Curation Guidelines. Collection method: curation. Allele origin: germline.
Comment: The ATM c.4444T>C (p.C1482R) variant has not been reported in the individuals with ATM-related disease. It has been reported in a large case-control study of breast cancer in 0/60466 cases and 1/53461 controls (PMID: 33471991). It was observed in 2/24968 chromosomes of the African/ African American subpopulation in the large and broad cohorts of the Genome Aggregation Database (PMID: 32461654). This variant has been reported in ClinVar (Variation ID 570421). In silico tools suggest the impact of the variant on protein function is benign though these predictions have not been confirmed by functional studies. There is no indication that this variant causes disease, but the evidence is insufficient currently to prove that conclusively. Thus, the clinical significance of this variant is currently uncertain.

Women's Health and Genetics/Laboratory Corporation of America, LabCorp
Classification: Uncertain significance. Last evaluated: 2021-05-10. Review status: criteria provided, single submitter. Criteria: LabCorp Variant Classification Summary - May 2015. Collection method: clinical testing. Allele origin: germline.
Comment: Variant summary: ATM c.4444T>C (p.Cys1482Arg) results in a non-conservative amino acid change in the encoded protein sequence. Three of five in-silico tools predict a benign effect of the variant on protein function. The variant allele was found at a frequency of 4e-06 in 251288 control chromosomes. The available data on variant occurrences in the general population are insufficient to allow any conclusion about variant significance. To our knowledge, no occurrence of c.4444T>C in individuals affected with Ataxia-Telangiectasia and no experimental evidence demonstrating its impact on protein function have been reported. Two clinical diagnostic laboratories have submitted clinical-significance assessments for this variant to ClinVar after 2014 without evidence for independent evaluation. One laboratory classified the variant as likely benign and one laboratory classified the variant as uncertain significance. Based on the evidence outlined above, the variant was classified as uncertain significance.

Ambry Genetics
Classification: Likely benign for Hereditary cancer-predisposing syndrome. Last evaluated: 2018-04-09. Review status: criteria provided, single submitter. Criteria: Ambry Variant Classification Scheme 2023. Collection method: clinical testing. Allele origin: germline.

Literature cited by the submitters: PubMed 33471991 (cited by Sema4).